The following is an entry in ClinVar:

NM_015295.3(SMCHD1):c.642T>G (p.Asp214Glu)

Gene: SMCHD1 (structural maintenance of chromosomes flexible hinge domain containing 1; plus strand). Cytogenetic location: 18p11.32.
Variant type: single nucleotide variant.
Coding change: c.642T>G on transcript NM_015295.3 (MANE Select); coding-DNA position 642, T replaced by G.
Protein change: p.Asp214Glu; replaces aspartic acid 214 with glutamic acid.
Molecular consequence: missense variant.
Genome position (GRCh38, 1-based): chr18:2,688,397, T>G. VCF-style: chr18-2688397-T-G. GRCh37 (hg19) VCF-style: chr18-2688395-T-G.
Other names: short protein forms D214E.
Identifiers: ClinVar variation 2758597 (VCV002758597.3), dbSNP rs2510000547, ClinGen allele CA401692860.

ClinVar aggregate classification (germline): Uncertain significance (1 of 4 stars; one submission).

Conditions:
Facioscapulohumeral muscular dystrophy 2 (FSHD2). Also called: MUSCULAR DYSTROPHY, FACIOSCAPULOHUMERAL, TYPE 1B; FACIOSCAPULOHUMERAL MUSCULAR DYSTROPHY 2, DIGENIC; FSHD2, DIGENIC. Identifiers: Orphanet 269, MedGen C1834671, MONDO:0008031, OMIM 158901.

Submission:

Labcorp Genetics (formerly Invitae), Labcorp
Classification: Uncertain significance for Facioscapulohumeral muscular dystrophy 2. Last evaluated: 2024-01-31. Review status: criteria provided, single submitter. Criteria: Invitae Variant Classification Sherloc (09022015). Collection method: clinical testing. Allele origin: germline.
Comment: This sequence change replaces aspartic acid, which is acidic and polar, with glutamic acid, which is acidic and polar, at codon 214 of the SMCHD1 protein (p.Asp214Glu). This variant is not present in population databases (gnomAD no frequency). This variant has not been reported in the literature in individuals affected with SMCHD1-related conditions. Advanced modeling of protein sequence and biophysical properties (such as structural, functional, and spatial information, amino acid conservation, physicochemical variation, residue mobility, and thermodynamic stability) performed at Invitae indicates that this missense variant is not expected to disrupt SMCHD1 protein function with a negative predictive value of 80%. In summary, the available evidence is currently insufficient to determine the role of this variant in disease. Therefore, it has been classified as a Variant of Uncertain Significance.